The following is an entry in ClinVar:

ClinVar aggregate classification (germline): Conflicting classifications of pathogenicity. Review status: criteria provided, conflicting classifications (1 of 4 stars). 7 submissions from 7 submitters: Uncertain significance (4); Benign (1); Likely benign (2). Last evaluated 2025-09-23.

Conditions:
Hereditary cancer-predisposing syndrome. Also called: Hereditary neoplastic syndrome; Tumor predisposition; Neoplastic Syndromes, Hereditary; Hereditary Cancer Syndrome. Identifiers: Orphanet 140162, MedGen C0027672, MeSH D009386, MONDO:0015356.
Lymphangiomyomatosis (LAM). Also called: Lymphangioleiomyomatosis; Lymphangioleiomyomatosis, somatic. Identifiers: Orphanet 538, MedGen C0751674, MONDO:0011705, OMIM 606690.
Isolated focal cortical dysplasia type II (FCORD2). Also called: Focal cortical dysplasia type II; CORTICAL DYSPLASIA OF TAYLOR. Identifiers: Orphanet 268994, MedGen C1846385, MONDO:0011818, OMIM 607341, HP:0032051.
Tuberous sclerosis 1 (TSC1). Identifiers: Orphanet 805, MedGen C1854465, MONDO:0008612, OMIM 191100.
Tuberous sclerosis syndrome (TSC). Also called: Tuberous Sclerosis Complex; Tuberous sclerosis. Identifiers: Orphanet 805, MedGen C0041341, MONDO:0001734.

Allele frequency attached by ClinVar (database versions not stated): gnomAD exomes below 0.00001 and 0.00001; TOPMed 0.00002; gnomAD 0.00003 and 0.00004.
gnomAD v4.1: 8 of 1,613,984 alleles (0.0005%); highest among the groups gnomAD compares: African/African-American, 0.011%; no homozygotes.

Submissions (7):

Color Diagnostics, LLC DBA Color Health
Classification: Benign for Tuberous sclerosis syndrome. Last evaluated: 2025-09-23. Review status: criteria provided, single submitter. Criteria: ACMG Guidelines, 2015. Collection method: clinical testing. Allele origin: germline.

Labcorp Genetics (formerly Invitae), Labcorp
Classification: Likely benign for Tuberous sclerosis 1. Last evaluated: 2025-08-24. Review status: criteria provided, single submitter. Criteria: Invitae Variant Classification Sherloc (09022015). Collection method: clinical testing. Allele origin: germline.

Quest Diagnostics Nichols Institute San Juan Capistrano
Classification: Uncertain significance. Last evaluated: 2024-05-10. Review status: criteria provided, single submitter. Criteria: Quest Diagnostics criteria. Collection method: clinical testing. Allele origin: unknown.

All of Us Research Program, National Institutes of Health
Classification: Uncertain significance for Tuberous sclerosis syndrome. Last evaluated: 2023-06-28. Review status: criteria provided, single submitter. Criteria: ACMG Guidelines, 2015. Collection method: clinical testing. Allele origin: germline. Inheritance: Autosomal dominant inheritance. Observed: 1 variant allele, 1 heterozygote.
Comment: This missense variant replaces valine with phenylalanine at codon 376 of the TSC1 protein. Computational prediction suggests that this variant may not impact protein structure and function (internally defined REVEL score threshold <= 0.5, PMID: 27666373). Splice site prediction tools suggest that this variant may impact RNA splicing. To our knowledge, functional studies have not been reported for this variant. This variant has not been reported in individuals affected with hereditary cancer in the literature. This variant has been identified in 3/282634 chromosomes in the general population by the Genome Aggregation Database (gnomAD). The available evidence is insufficient to determine the role of this variant in disease conclusively. Therefore, this variant is classified as a Variant of Uncertain Significance.

This study involves interpretation of variants in research participants for the purpose of population health screening. Participant phenotype was not available at the time of variant classification. Additional details can be found in publication PMID: 35346344, PMCID: PMC8962531

Women's Health and Genetics/Laboratory Corporation of America, LabCorp
Classification: Uncertain significance. Last evaluated: 2023-02-23. Review status: criteria provided, single submitter. Criteria: LabCorp Variant Classification Summary - May 2015. Collection method: clinical testing. Allele origin: germline.
Comment: Variant summary: TSC1 c.1126G>T (p.Val376Phe) results in a non-conservative amino acid change in the encoded protein sequence. Three of five in-silico tools predict a damaging effect of the variant on protein function. The variant allele was found at a frequency of 4e-06 in 251252 control chromosomes. The available data on variant occurrences in the general population are insufficient to allow any conclusion about variant significance. To our knowledge, no occurrence of c.1126G>T in individuals affected with Tuberous Sclerosis Complex and no experimental evidence demonstrating its impact on protein function have been reported. Three ClinVar submitters have submitted clinical-significance assessments for this variant to ClinVar after 2014, classifying the variant as uncertain significance (n=1) or likely benign (n=2). Based on the evidence outlined above, the variant was classified as uncertain significance.

Ambry Genetics
Classification: Likely benign for Hereditary cancer-predisposing syndrome. Last evaluated: 2022-09-26. Review status: criteria provided, single submitter. Criteria: Ambry Variant Classification Scheme 2023. Collection method: clinical testing. Allele origin: germline.

Fulgent Genetics
Classification: Uncertain significance for Tuberous sclerosis 1; Lymphangiomyomatosis; Isolated focal cortical dysplasia type II. Last evaluated: 2022-04-20. Review status: criteria provided, single submitter. Criteria: ACMG Guidelines, 2015. Collection method: clinical testing. Allele origin: unknown.

NM_000368.5(TSC1):c.1126G>T (p.Val376Phe)

Gene: TSC1 (TSC complex subunit 1; minus strand). Cytogenetic location: 9q34.13.
Variant type: single nucleotide variant.
Coding change: c.1126G>T on transcript NM_000368.5 (MANE Select); coding-DNA position 1126, G replaced by T.
Protein change: p.Val376Phe; replaces valine 376 with phenylalanine.
Molecular consequence: missense variant.
Genome position (GRCh38, 1-based): chr9:132,911,017, C>A on the plus strand (G>T on the coding strand, the complement: TSC1 is on the minus strand). VCF-style: chr9-132911017-C-A. GRCh37 (hg19) VCF-style: chr9-135786404-C-A.
Other names: c.1126G>T, p.Val376Phe (NM_001162426.2); c.973G>T, p.Val325Phe (NM_001162427.2); c.763G>T, p.Val255Phe (NM_001362177.2); short protein forms V325F, V255F, V376F.
Identifiers: ClinVar variation 857726 (VCV000857726.14), dbSNP rs1461609607, ClinGen allele CA375367342.